The following is an entry in ClinVar:

NM_031471.6(FERMT3):c.163C>A (p.Arg55Ser)

Gene: FERMT3 (FERM domain containing kindlin 3; plus strand). Cytogenetic location: 11q13.1.
Variant type: single nucleotide variant.
Coding change: c.163C>A on transcript NM_031471.6 (MANE Select); coding-DNA position 163, C replaced by A.
Protein change: p.Arg55Ser; replaces arginine 55 with serine.
Molecular consequence: missense variant. On other transcripts: 5 prime UTR variant (2).
Genome position (GRCh38, 1-based): chr11:64,210,613, C>A. VCF-style: chr11-64210613-C-A. GRCh37 (hg19) VCF-style: chr11-63978085-C-A.
Other names: c.163C>A, p.Arg55Ser (NM_001382361.1, NM_001382362.1, NM_001382448.1 and 1 more transcripts); c.-378C>A (NM_001382363.1, NM_001382364.1); short protein forms R55S.
Identifiers: ClinVar variation 1056191 (VCV001056191.9), dbSNP rs769352433, ClinGen allele CA381080724.

ClinVar aggregate classification (germline): Uncertain significance (1 of 4 stars; one submission).

Conditions:
Leukocyte adhesion deficiency 3. Also called: INTEGRIN ACTIVATION DEFICIENCY DISEASE; LEUKOCYTE ADHESION DEFICIENCY 1 VARIANT; Leukocyte adhesion deficiency, type III. Identifiers: Orphanet 2968, Orphanet 99844, MedGen C2748536, MONDO:0013016, OMIM 612840.

Submission:

Labcorp Genetics (formerly Invitae), Labcorp
Classification: Uncertain significance for Leukocyte adhesion deficiency 3. Last evaluated: 2022-07-12. Review status: criteria provided, single submitter. Criteria: Invitae Variant Classification Sherloc (09022015). Collection method: clinical testing. Allele origin: germline.
Comment: In summary, the available evidence is currently insufficient to determine the role of this variant in disease. Therefore, it has been classified as a Variant of Uncertain Significance. Algorithms developed to predict the effect of sequence changes on RNA splicing suggest that this variant may create or strengthen a splice site. Algorithms developed to predict the effect of missense changes on protein structure and function (SIFT, PolyPhen-2, Align-GVGD) all suggest that this variant is likely to be tolerated. ClinVar contains an entry for this variant (Variation ID: 1056191). This variant has not been reported in the literature in individuals affected with FERMT3-related conditions. This variant is not present in population databases (gnomAD no frequency). This sequence change replaces arginine, which is basic and polar, with serine, which is neutral and polar, at codon 55 of the FERMT3 protein (p.Arg55Ser).